The following is an entry in ClinVar:

NM_001270974.2(HYDIN):c.7200C>T (p.Ile2400=)

Gene: HYDIN (HYDIN axonemal central pair apparatus protein; minus strand). Cytogenetic location: 16q22.2.
Variant type: single nucleotide variant.
Coding change: c.7200C>T on transcript NM_001270974.2 (MANE Select); coding-DNA position 7200, C replaced by T.
Protein change: p.Ile2400=; no amino-acid change (isoleucine 2400 retained).
Molecular consequence: synonymous variant.
Genome position (GRCh38, 1-based): chr16:70,921,176, G>A on the plus strand (C>T on the coding strand, the complement: HYDIN is on the minus strand). VCF-style: chr16-70921176-G-A. GRCh37 (hg19) VCF-style: chr16-70955079-G-A.
Identifiers: ClinVar variation 2582947 (VCV002582947.25), dbSNP rs78468321, ClinGen allele CA283514786.

ClinVar aggregate classification (germline): Likely benign (1 of 4 stars; one submission).

Allele frequency attached by ClinVar (database versions not stated): gnomAD exomes below 0.00001.
gnomAD v4.1: 8 of 1,458,866 alleles (0.00055%); highest among the groups gnomAD compares: South Asian, 0.0013%; no homozygotes.

Submission:

CeGaT Center for Human Genetics Tuebingen
Classification: Likely benign. Last evaluated: 2025-04-01. Review status: criteria provided, single submitter. Criteria: CeGaT Center For Human Genetics Tuebingen Variant Classification Criteria Version 2. Collection method: clinical testing. Allele origin: germline. Affected: yes. Observed: 14 variant alleles.
Comment: HYDIN: BP4, BP7